The following is an entry in ClinVar:

NM_000393.5(COL5A2):c.1770+6T>C

Gene: COL5A2 (collagen type V alpha 2 chain; minus strand). Cytogenetic location: 2q32.2.
Variant type: single nucleotide variant.
Coding change: c.1770+6T>C on transcript NM_000393.5 (MANE Select); 6 bases into the intron after coding-DNA position 1770, T replaced by C.
Molecular consequence: intron variant.
Genome position (GRCh38, 1-based): chr2:189,063,974, A>G on the plus strand (T>C on the coding strand, the complement: COL5A2 is on the minus strand). VCF-style: chr2-189063974-A-G. GRCh37 (hg19) VCF-style: chr2-189928700-A-G.
Identifiers: ClinVar variation 940718 (VCV000940718.11), dbSNP rs1686089547, ClinGen allele CA1139657549.
Genomic context (GRCh38, chr2:189,063,974, plus strand): 5'-TATCATTTAAGTTGCATGTCTGTTGAAAAATATTAGTGGTTGTGGACTTCTGTTTAAATT[A>G]CTTACCAAAGGTCCAAGTTTTCCTTCAGGACCTTGAACACCAGGATTTCCTGTCAAACCC-3'

ClinVar aggregate classification (germline): Uncertain significance (1 of 4 stars; one submission).

Conditions:
Ehlers-Danlos syndrome, classic type, 1 (EDSCL1). Also called: Ehlers-Danlos syndrome, type 1; EHLERS-DANLOS SYNDROME, GRAVIS TYPE; EHLERS-DANLOS SYNDROME, SEVERE CLASSIC TYPE; EDS I; Ehlers-Danlos Syndrome, Classic Type, COL5A1-Related. Identifiers: MedGen C0268335, MONDO:0019567, OMIM 130000.

Submission:

Labcorp Genetics (formerly Invitae), Labcorp
Classification: Uncertain significance for Ehlers-Danlos syndrome, classic type, 1. Last evaluated: 2025-01-27. Review status: criteria provided, single submitter. Criteria: Invitae Variant Classification Sherloc (09022015). Collection method: clinical testing. Allele origin: germline.
Comment: This sequence change falls in intron 26 of the COL5A2 gene. It does not directly change the encoded amino acid sequence of the COL5A2 protein. It affects a nucleotide within the consensus splice site. This variant is not present in population databases (gnomAD no frequency). This variant has not been reported in the literature in individuals affected with COL5A2-related conditions. ClinVar contains an entry for this variant (Variation ID: 940718). Variants that disrupt the consensus splice site are a relatively common cause of aberrant splicing (PMID: 17576681, 9536098). Algorithms developed to predict the effect of sequence changes on RNA splicing suggest that this variant is not likely to affect RNA splicing. In summary, the available evidence is currently insufficient to determine the role of this variant in disease. Therefore, it has been classified as a Variant of Uncertain Significance.

Literature cited by the submitters: PubMed 17576681; PubMed 9536098.